The following is an entry in ClinVar:

NM_004006.3(DMD):c.3044G>C (p.Ser1015Thr)

Gene: DMD (dystrophin; minus strand). Cytogenetic location: Xp21.1.
Variant type: single nucleotide variant.
Coding change: c.3044G>C on transcript NM_004006.3 (MANE Select); coding-DNA position 3044, G replaced by C.
Protein change: p.Ser1015Thr; replaces serine 1015 with threonine.
Molecular consequence: missense variant.
Genome position (GRCh38, 1-based): chrX:32,468,616, C>G on the plus strand (G>C on the coding strand, the complement: DMD is on the minus strand). VCF-style: chrX-32468616-C-G. GRCh37 (hg19) VCF-style: chrX-32486733-C-G.
Other names: c.3020G>C, p.Ser1007Thr (NM_000109.4); c.3032G>C, p.Ser1011Thr (NM_004009.3); c.2675G>C, p.Ser892Thr (NM_004010.3); short protein forms S1007T, S1011T, S892T, S1015T.
Identifiers: ClinVar variation 3689510 (VCV003689510.2).

ClinVar aggregate classification (germline): Uncertain significance (1 of 4 stars; one submission).

Conditions:
Duchenne muscular dystrophy (DMD). Also called: MUSCULAR DYSTROPHY, PSEUDOHYPERTROPHIC PROGRESSIVE, DUCHENNE TYPE; Duchenne Muscular Dystrophy (DMD). Identifiers: Orphanet 98896, MedGen C0013264, MONDO:0010679, OMIM 310200.

Submission:

Labcorp Genetics (formerly Invitae), Labcorp
Classification: Uncertain significance for Duchenne muscular dystrophy. Last evaluated: 2024-09-09. Review status: criteria provided, single submitter. Criteria: Invitae Variant Classification Sherloc (09022015). Collection method: clinical testing. Allele origin: germline.
Comment: This sequence change replaces serine, which is neutral and polar, with threonine, which is neutral and polar, at codon 1015 of the DMD protein (p.Ser1015Thr). This variant is not present in population databases (gnomAD no frequency). This variant has not been reported in the literature in individuals affected with DMD-related conditions. Invitae Evidence Modeling of protein sequence and biophysical properties (such as structural, functional, and spatial information, amino acid conservation, physicochemical variation, residue mobility, and thermodynamic stability) indicates that this missense variant is not expected to disrupt DMD protein function with a negative predictive value of 95%. In summary, the available evidence is currently insufficient to determine the role of this variant in disease. Therefore, it has been classified as a Variant of Uncertain Significance.